The following is an entry in ClinVar:

NM_021076.4(NEFH):c.713T>C (p.Val238Ala)

Gene: NEFH (neurofilament heavy chain; plus strand). Cytogenetic location: 22q12.2.
Variant type: single nucleotide variant.
Coding change: c.713T>C on transcript NM_021076.4 (MANE Select); coding-DNA position 713, T replaced by C.
Protein change: p.Val238Ala; replaces valine 238 with alanine.
Molecular consequence: missense variant.
Genome position (GRCh38, 1-based): chr22:29,480,975, T>C. VCF-style: chr22-29480975-T-C. GRCh37 (hg19) VCF-style: chr22-29876964-T-C.
Other names: short protein forms V238A.
Identifiers: ClinVar variation 2526179 (VCV002526179.5), dbSNP rs1444186238, ClinGen allele CA411123775.

ClinVar aggregate classification (germline): Uncertain significance. Review status: criteria provided, multiple submitters, no conflicts (2 of 4 stars). 2 submissions from 2 submitters: Uncertain significance (2). Last evaluated 2023-03-17.

Conditions:
Inborn genetic diseases. Identifiers: MedGen C0950123, MeSH D030342.

Allele frequency attached by ClinVar (database versions not stated): gnomAD 0.00001; gnomAD exomes 0.00001; TOPMed 0.00001.
gnomAD v4.1: 9 of 1,531,146 alleles (0.00059%); highest among the groups gnomAD compares: East Asian, 0.0025%; no homozygotes.

Submissions (2):

Ambry Genetics
Classification: Uncertain significance for Inborn genetic diseases. Last evaluated: 2023-03-17. Review status: criteria provided, single submitter. Criteria: Ambry Variant Classification Scheme 2023. Collection method: clinical testing. Allele origin: germline.

Labcorp Genetics (formerly Invitae), Labcorp
Classification: Uncertain significance. Last evaluated: 2023-01-17. Review status: criteria provided, single submitter. Criteria: Invitae Variant Classification Sherloc (09022015). Collection method: clinical testing. Allele origin: germline.
Comment: In summary, the available evidence is currently insufficient to determine the role of this variant in disease. Therefore, it has been classified as a Variant of Uncertain Significance. Advanced modeling of protein sequence and biophysical properties (such as structural, functional, and spatial information, amino acid conservation, physicochemical variation, residue mobility, and thermodynamic stability) performed at Invitae indicates that this missense variant is not expected to disrupt NEFH protein function. This variant has not been reported in the literature in individuals affected with NEFH-related conditions. This variant is present in population databases (no rsID available, gnomAD 0.01%). This sequence change replaces valine, which is neutral and non-polar, with alanine, which is neutral and non-polar, at codon 238 of the NEFH protein (p.Val238Ala).